The following is an entry in ClinVar:

ClinVar aggregate classification (germline): Uncertain significance (1 of 4 stars; one submission).

Conditions:
Galloway-Mowat syndrome 2, X-linked. Identifiers: MedGen C4538784, MONDO:0033006, OMIM 301006.

Submission:

Neuberg Centre For Genomic Medicine, NCGM
Classification: Uncertain significance for Galloway-Mowat syndrome 2, X-linked. Last evaluated: 2023-06-22. Review status: criteria provided, single submitter. Criteria: ACMG Guidelines, 2015. Collection method: clinical testing. Allele origin: germline. Inheritance: X-linked recessive inheritance. Affected: yes.
Comment: The observed missense c.59G>C(p.Gly20Ala) variant in LAGE3 gene has not been reported previously as a pathogenic variant nor as a benign variant, to our knowledge. This variant is absent in gnomAD Exomes. The amino acid Gly at position 20 is changed to a Ala changing protein sequence and it might alter its composition and physico-chemical properties. The amino acid change p.Gly20Ala in LAGE3 is predicted as conserved by GERP++. Multiple lines of computational evidence (Polyphen - Benign, SIFT - Tolerated, and MutationTaster - Polymorphism) predicts conflicting evidence on protein structure and function for this variant. For these reasons, this variant has been classified as Uncertain Significance.

NM_006014.5(LAGE3):c.59G>C (p.Gly20Ala)

Genes: LAGE3 (L antigen family member 3; minus strand), LOC130068876 (ATAC-STARR-seq lymphoblastoid silent region 21109; plus strand). Cytogenetic location: Xq28.
Variant type: single nucleotide variant.
Coding change: c.59G>C on transcript NM_006014.5 (MANE Select); coding-DNA position 59, G replaced by C.
Protein change: p.Gly20Ala; replaces glycine 20 with alanine.
Molecular consequence: missense variant.
Genome position (GRCh38, 1-based): chrX:154,478,857, C>G on the plus strand (G>C on the coding strand, the complement: LAGE3 is on the minus strand). VCF-style: chrX-154478857-C-G. GRCh37 (hg19) VCF-style: chrX-153707196-C-G.
Other names: short protein forms G20A.
Identifiers: ClinVar variation 3731528 (VCV003731528.1).